The following is an entry in ClinVar:

ClinVar aggregate classification (germline): Likely benign. Review status: criteria provided, multiple submitters, no conflicts (2 of 4 stars). 3 submissions from 3 submitters: Likely benign (2). 1 of the submissions does not count toward it. Last evaluated 2025-02-11.

Conditions:
Treacher Collins syndrome 1 (TCS1). Also called: TCOF1-Related Treacher Collins Syndrome. Identifiers: Orphanet 861, MedGen CN315775, MONDO:0007944, OMIM 154500.
TCOF1-related disorder. Also called: TCOF1-related condition.

Allele frequency attached by ClinVar (database versions not stated): TOPMed below 0.00001; ExAC 0.00004; gnomAD exomes 0.00004.
gnomAD v4.1: 27 of 1,614,082 alleles (0.0017%); highest among the groups gnomAD compares: East Asian, 0.058%; no homozygotes.

Submissions (3):

Labcorp Genetics (formerly Invitae), Labcorp
Classification: Likely benign for Treacher Collins syndrome 1. Last evaluated: 2025-02-11. Review status: criteria provided, single submitter. Criteria: Invitae Variant Classification Sherloc (09022015). Collection method: clinical testing. Allele origin: germline.

Blueprint Genetics
Classification: Likely benign. Last evaluated: 2021-09-06. Review status: criteria provided, single submitter. Criteria: ACMG Guidelines, 2015. Collection method: clinical testing. Allele origin: germline.

PreventionGenetics, part of Exact Sciences
Classification: Likely benign for TCOF1-related condition. Last evaluated: 2019-07-18. Review status: no assertion criteria provided. Collection method: clinical testing. Allele origin: germline. Not counted in ClinVar's aggregate classification.
Comment: This variant is classified as likely benign based on ACMG/AMP sequence variant interpretation guidelines (Richards et al. 2015 PMID: 25741868, with internal and published modifications).

NM_001371623.1(TCOF1):c.2781G>A (p.Gly927=)

Gene: TCOF1 (treacle ribosome biogenesis factor 1; plus strand). Cytogenetic location: 5q32.
Variant type: single nucleotide variant.
Coding change: c.2781G>A on transcript NM_001371623.1 (MANE Select); coding-DNA position 2781, G replaced by A.
Protein change: p.Gly927=; no amino-acid change (glycine 927 retained).
Molecular consequence: synonymous variant.
Genome position (GRCh38, 1-based): chr5:150,379,654, G>A. VCF-style: chr5-150379654-G-A. GRCh37 (hg19) VCF-style: chr5-149759217-G-A.
Other names: c.2781G>A (NM_001135243.1); c.2550G>A, p.Gly850= (NM_000356.4, NM_001135245.2); c.2781G>A, p.Gly927= (NM_001008657.3, NM_001135243.2, NM_001135244.2 and 1 more transcripts).
Identifiers: ClinVar variation 2712476 (VCV002712476.6), dbSNP rs758585070, ClinGen allele CA3511268.